The following is an entry in ClinVar:

NM_153240.5(NPHP3):c.2570+1G>A

Genes: NPHP3-ACAD11 (NPHP3-ACAD11 readthrough (NMD candidate); minus strand), NPHP3 (nephrocystin 3; minus strand). Cytogenetic location: 3q22.1.
Variant type: single nucleotide variant.
Coding change: c.2570+1G>A on transcript NM_153240.5 (MANE Select); the canonical splice donor site of the intron after coding-DNA position 2570, G replaced by A.
Molecular consequence: splice donor variant.
Genome position (GRCh38, 1-based): chr3:132,691,191, C>T on the plus strand (G>A on the coding strand, the complement: NPHP3 is on the minus strand). VCF-style: chr3-132691191-C-T. GRCh37 (hg19) VCF-style: chr3-132410035-C-T.
Identifiers: ClinVar variation 4750374 (VCV004750374.1).

ClinVar aggregate classification (germline): Likely pathogenic (1 of 4 stars; one submission).

Conditions:
Nephronophthisis. Also called: Juvenile Nephronophthisis. Identifiers: Orphanet 655, MedGen C0687120, MONDO:0019005, HP:0000090.

Submission:

Labcorp Genetics (formerly Invitae), Labcorp
Classification: Likely pathogenic for Nephronophthisis. Last evaluated: 2025-10-17. Review status: criteria provided, single submitter. Criteria: Invitae Variant Classification Sherloc (09022015). Collection method: clinical testing. Allele origin: germline.
Comment: This sequence change affects a donor splice site in intron 18 of the NPHP3 gene. It is expected to disrupt RNA splicing. Variants that disrupt the donor or acceptor splice site typically lead to a loss of protein function (PMID: 16199547), and loss-of-function variants in NPHP3 are known to be pathogenic (PMID: 18371931, 23559409). This variant is not present in population databases (gnomAD no frequency). Disruption of this splice site has been observed in individual(s) with nephronophthisis (PMID: 23188109, 36090483). Algorithms developed to predict the effect of sequence changes on RNA splicing suggest that this variant may disrupt the consensus splice site. In summary, the currently available evidence indicates that the variant is pathogenic, but additional data are needed to prove that conclusively. Therefore, this variant has been classified as Likely Pathogenic.

Literature cited by the submitters: PubMed 16199547; PubMed 18371931; PubMed 23559409; PubMed 23188109; PubMed 36090483.